The following is an entry in ClinVar:

NM_015030.2(FRYL):c.3301_3307del (p.Ile1101fs)

Gene: FRYL (FRY like transcription coactivator; minus strand). Cytogenetic location: 4p11.
Variant type: Deletion.
Coding change: c.3301_3307del on transcript NM_015030.2 (MANE Select); coding-DNA positions 3301 to 3307, 7 bases deleted (ATTAATA; older notation c.3301_3307delATTAATA).
Protein change: p.Ile1101fs; shifts the reading frame from isoleucine 1101.
Molecular consequence: frameshift variant.
Genome position (GRCh38, 1-based): chr4:48,565,554-48,565,560, TATTAAT deleted on the plus strand (ATTAATA on the coding strand, the reverse complement: FRYL is on the minus strand); deleting any 7 consecutive bases within chr4:48,565,554-48,565,561 gives the same sequence; the c. name uses the placement nearest the transcript's 3' end. VCF-style (leftmost placement, unchanged base first): chr4-48565553-CTATTAAT-C. GRCh37 (hg19) VCF-style: chr4-48567570-CTATTAAT-C.
Other names: short protein forms I1101fs.
Identifiers: ClinVar variation 5018092 (VCV005018092.1).

ClinVar aggregate classification (germline): Uncertain significance (1 of 4 stars; one submission).

Submission:

GeneDx
Classification: Uncertain significance. Last evaluated: 2026-04-09. Review status: criteria provided, single submitter. Criteria: GeneDx Variant Classification Process June 2021. Collection method: clinical testing. Allele origin: germline.
Comment: Frameshift variant predicted to result in protein truncation or nonsense mediated decay in a gene for which loss of function is a known mechanism of disease; Has not been previously published as pathogenic or benign to our knowledge